The following is an entry in ClinVar:

ClinVar aggregate classification (germline): Pathogenic (1 of 4 stars; one submission).

Conditions:
Muscular dystrophy-dystroglycanopathy (congenital with brain and eye anomalies), type a, 8 (MDDGA8). Also called: WALKER-WARBURG SYNDROME OR MUSCLE-EYE-BRAIN DISEASE, GTDC2-RELATED. Identifiers: Orphanet 899, MedGen C3553813, MONDO:0013904, OMIM 614830.

Submission:

Labcorp Genetics (formerly Invitae), Labcorp
Classification: Pathogenic for Muscular dystrophy-dystroglycanopathy (congenital with brain and eye anomalies), type a, 8. Last evaluated: 2022-05-20. Review status: criteria provided, single submitter. Criteria: Invitae Variant Classification Sherloc (09022015). Collection method: clinical testing. Allele origin: germline.
Comment: For these reasons, this variant has been classified as Pathogenic. This variant disrupts a region of the POMGNT2 protein in which other variant(s) (p.Glu519*) have been determined to be pathogenic (Invitae). This suggests that this is a clinically significant region of the protein, and that variants that disrupt it are likely to be disease-causing. This variant has not been reported in the literature in individuals affected with POMGNT2-related conditions. This variant is not present in population databases (gnomAD no frequency). This sequence change creates a premature translational stop signal (p.Val14Cysfs*36) in the POMGNT2 gene. While this is not anticipated to result in nonsense mediated decay, it is expected to disrupt the last 567 amino acid(s) of the POMGNT2 protein.

NM_032806.6(POMGNT2):c.40del (p.Val14fs)

Gene: POMGNT2 (protein O-linked mannose N-acetylglucosaminyltransferase 2 (beta 1,4-); minus strand). Cytogenetic location: 3p22.1.
Variant type: Deletion.
Coding change: c.40del on transcript NM_032806.6 (MANE Select); coding-DNA position 40, one base deleted (G; older notation c.40delG).
Protein change: p.Val14fs; shifts the reading frame from valine 14.
Molecular consequence: frameshift variant.
Genome position (GRCh38, 1-based): chr3:43,081,392, C deleted on the plus strand (G on the coding strand, the reverse complement: POMGNT2 is on the minus strand); the first of 2 consecutive C bases (chr3:43,081,392-43,081,393); deleting either gives the same sequence. VCF-style (leftmost placement, unchanged base first): chr3-43081391-AC-A. GRCh37 (hg19) VCF-style: chr3-43122883-AC-A.
Other names: short protein forms V14fs.
Identifiers: ClinVar variation 1997096 (VCV001997096.4), dbSNP rs2528901921, ClinGen allele CA2580069854.